The following is an entry in ClinVar:

ClinVar aggregate classification (germline): Benign. Review status: criteria provided, single submitter (1 of 4 stars). 2 submissions from 2 submitters: Benign (1). 1 of the submissions does not count toward it. Last evaluated 2024-02-23.

Conditions:
DNAH8-related disorder. Also called: DNAH8-related condition.
Primary ciliary dyskinesia. Also called: Ciliary dyskinesia. Identifiers: Orphanet 244, MedGen C0008780, MONDO:0016575, HP:0012265.

Submissions (2):

Labcorp Genetics (formerly Invitae), Labcorp
Classification: Benign for Primary ciliary dyskinesia. Last evaluated: 2024-02-23. Review status: criteria provided, single submitter. Criteria: Invitae Variant Classification Sherloc (09022015). Collection method: clinical testing. Allele origin: germline.

PreventionGenetics, part of Exact Sciences
Classification: Likely benign for DNAH8-related condition. Last evaluated: 2021-08-23. Review status: no assertion criteria provided. Collection method: clinical testing. Allele origin: germline. Not counted in ClinVar's aggregate classification.
Comment: This variant is classified as likely benign based on ACMG/AMP sequence variant interpretation guidelines (Richards et al. 2015 PMID: 25741868, with internal and published modifications).

NM_001206927.2(DNAH8):c.1294-6del

Gene: DNAH8 (dynein axonemal heavy chain 8; plus strand). Cytogenetic location: 6p21.2.
Variant type: Deletion.
Coding change: c.1294-6del on transcript NM_001206927.2 (MANE Select); 6 bases into the intron before coding-DNA position 1294, one base deleted (T; older notation c.1294-6delT).
Molecular consequence: intron variant.
Genome position (GRCh38, 1-based): chr6:38,750,470, T deleted; the last of 7 consecutive T bases (chr6:38,750,464-38,750,470); deleting any one gives the same sequence. VCF-style (leftmost placement, unchanged base first): chr6-38750463-CT-C. GRCh37 (hg19) VCF-style: chr6-38718239-CT-C.
Other names: c.643-6del (NM_001371.4).
Identifiers: ClinVar variation 3029671 (VCV003029671.4), dbSNP rs766073829, ClinGen allele CA3788190.